The following is an entry in ClinVar:

ClinVar aggregate classification (germline): Uncertain significance. Review status: criteria provided, multiple submitters, no conflicts (2 of 4 stars). 3 submissions from 3 submitters: Uncertain significance (3). Last evaluated 2024-07-04.

Conditions:
Breast-ovarian cancer, familial, susceptibility to, 2 (BROVCA2). Also called: BRCA2 Hereditary Breast and Ovarian Cancer. Identifiers: Orphanet 145, MedGen C2675520, MONDO:0012933, OMIM 612555. Disease mechanism: loss of function.
Familial cancer of breast. Also called: BREAST CANCER, FAMILIAL; hereditary breast carcinoma; Hereditary breast cancer. Identifiers: Orphanet 227535, MedGen C0346153, MONDO:0016419, OMIM 114480. Disease mechanism: loss of function.
Hereditary breast ovarian cancer syndrome. Also called: Hereditary breast and ovarian cancer; Hereditary breast and ovarian cancer syndrome (HBOC); Breast and ovarian cancer; BRCA1- and BRCA2-Associated Hereditary Breast and Ovarian Cancer; Hereditary breast and/or ovarian cancer syndrome; Hereditary breast and ovarian cancer syndrome. Identifiers: Orphanet 145, MedGen C0677776, MeSH D061325, MONDO:0003582. Disease mechanism: loss of function.

Submissions (3):

Department of Human Genetics, Hannover Medical School
Classification: Uncertain significance for Breast-ovarian cancer, familial, susceptibility to, 2. Last evaluated: 2024-07-04. Review status: criteria provided, single submitter. Criteria: ACMG Guidelines, 2015. Collection method: clinical testing. Allele origin: germline. Inheritance: Autosomal dominant inheritance. Affected: yes.

Baylor Genetics
Classification: Uncertain significance for Familial cancer of breast. Last evaluated: 2023-09-05. Review status: criteria provided, single submitter. Criteria: ACMG Guidelines, 2015. Collection method: clinical testing. Allele origin: unknown.

Labcorp Genetics (formerly Invitae), Labcorp
Classification: Uncertain significance for Hereditary breast ovarian cancer syndrome. Last evaluated: 2019-04-08. Review status: criteria provided, single submitter. Criteria: Invitae Variant Classification Sherloc (09022015). Collection method: clinical testing. Allele origin: germline.
Comment: In summary, the available evidence is currently insufficient to determine the role of this variant in disease. Therefore, it has been classified as a Variant of Uncertain Significance. Algorithms developed to predict the effect of missense changes on protein structure and function do not agree on the potential impact of this missense change (SIFT: "Deleterious"; PolyPhen-2: "Benign"; Align-GVGD: "Class C0"). This variant has not been reported in the literature in individuals with BRCA2-related disease. ClinVar contains an entry for this variant (Variation ID: 571905). This variant is not present in population databases (ExAC no frequency). This sequence change replaces alanine with threonine at codon 2955 of the BRCA2 protein (p.Ala2955Thr). The alanine residue is highly conserved and there is a small physicochemical difference between alanine and threonine.

NM_000059.4(BRCA2):c.8863G>A (p.Ala2955Thr)

Gene: BRCA2 (BRCA2 DNA repair associated; plus strand). Cytogenetic location: 13q13.1.
Variant type: single nucleotide variant.
Coding change: c.8863G>A on transcript NM_000059.4 (MANE Select); coding-DNA position 8863, G replaced by A.
Protein change: p.Ala2955Thr; replaces alanine 2955 with threonine.
Molecular consequence: missense variant.
Genome position (GRCh38, 1-based): chr13:32,379,425, G>A. VCF-style: chr13-32379425-G-A. GRCh37 (hg19) VCF-style: chr13-32953562-G-A.
Other names: short protein forms A2955T.
Identifiers: ClinVar variation 571905 (VCV000571905.13), dbSNP rs1566252676, ClinGen allele CA387756347.
Genomic context (GRCh38, chr13:32,379,425, plus strand): 5'-ATGTTGAATGATAAGAAACAAGCTCAGATCCAGTTGGAAATTAGGAAGGCCATGGAATCT[G>A]CTGAACAAAAGGAACAAGGTTTATCAAGGGATGTCACAACCGTGTGGAAGTTGCGTATTG-3'
Protein context (NP_000050.3, residues 2945-2965): QLEIRKAMES[Ala2955Thr]EQKEQGLSRD